The following is an entry in ClinVar:

NM_001142800.2(EYS):c.1741T>G (p.Cys581Gly)

Gene: EYS (EGF-like photoreceptor maintenance factor; minus strand). Cytogenetic location: 6q12.
Variant type: single nucleotide variant.
Coding change: c.1741T>G on transcript NM_001142800.2 (MANE Select); coding-DNA position 1741, T replaced by G.
Protein change: p.Cys581Gly; replaces cysteine 581 with glycine.
Molecular consequence: missense variant.
Genome position (GRCh38, 1-based): chr6:65,335,005, A>C on the plus strand (T>G on the coding strand, the complement: EYS is on the minus strand). VCF-style: chr6-65335005-A-C. GRCh37 (hg19) VCF-style: chr6-66044898-A-C.
Other names: c.1741T>G, p.Cys581Gly (NM_001142801.2, NM_001292009.2, NM_198283.2); short protein forms C581G.
Identifiers: ClinVar variation 1504686 (VCV001504686.6), dbSNP rs558477347, ClinGen allele CA3877634.

ClinVar aggregate classification (germline): Uncertain significance. Review status: criteria provided, multiple submitters, no conflicts (2 of 4 stars). 2 submissions from 2 submitters: Uncertain significance (2). Last evaluated 2023-07-25.

Allele frequency attached by ClinVar (database versions not stated): gnomAD exomes below 0.00001 and 0.00006; ExAC 0.00001; gnomAD 0.00001; TOPMed 0.00004.
gnomAD v4.1: 82 of 1,610,302 alleles (0.0051%); highest among the groups gnomAD compares: Non-Finnish European, 0.0067%; no homozygotes.

Submissions (2):

Blueprint Genetics
Classification: Uncertain significance. Last evaluated: 2023-07-25. Review status: criteria provided, single submitter. Criteria: ACMG Guidelines, 2015. Collection method: clinical testing. Allele origin: germline.

Labcorp Genetics (formerly Invitae), Labcorp
Classification: Uncertain significance. Last evaluated: 2022-10-17. Review status: criteria provided, single submitter. Criteria: Invitae Variant Classification Sherloc (09022015). Collection method: clinical testing. Allele origin: germline.
Comment: This sequence change replaces cysteine, which is neutral and slightly polar, with glycine, which is neutral and non-polar, at codon 581 of the EYS protein (p.Cys581Gly). This variant is present in population databases (rs558477347, gnomAD 0.0009%). This variant has not been reported in the literature in individuals affected with EYS-related conditions. ClinVar contains an entry for this variant (Variation ID: 1504686). Algorithms developed to predict the effect of missense changes on protein structure and function (SIFT, PolyPhen-2, Align-GVGD) all suggest that this variant is likely to be tolerated. In summary, the available evidence is currently insufficient to determine the role of this variant in disease. Therefore, it has been classified as a Variant of Uncertain Significance.